The following is an entry in ClinVar:

ClinVar aggregate classification (germline): Uncertain significance. Review status: criteria provided, multiple submitters, no conflicts (2 of 4 stars). 2 submissions from 2 submitters: Uncertain significance (2). Last evaluated 2024-01-26.

gnomAD v4.1: 1 of 1,605,396 alleles (0.000062%); no homozygotes.

Submissions (2):

Labcorp Genetics (formerly Invitae), Labcorp
Classification: Uncertain significance. Last evaluated: 2024-01-26. Review status: criteria provided, single submitter. Criteria: Invitae Variant Classification Sherloc (09022015). Collection method: clinical testing. Allele origin: germline.
Comment: This sequence change replaces arginine, which is basic and polar, with serine, which is neutral and polar, at codon 91 of the GINS1 protein (p.Arg91Ser). This variant is not present in population databases (gnomAD no frequency). This variant has not been reported in the literature in individuals affected with GINS1-related conditions. ClinVar contains an entry for this variant (Variation ID: 1012481). An algorithm developed to predict the effect of missense changes on protein structure and function (PolyPhen-2) suggests that this variant is likely to be disruptive. In summary, the available evidence is currently insufficient to determine the role of this variant in disease. Therefore, it has been classified as a Variant of Uncertain Significance.

CeGaT Center for Human Genetics Tuebingen
Classification: Uncertain significance. Last evaluated: 2021-02-01. Review status: criteria provided, single submitter. Criteria: CeGaT Center For Human Genetics Tuebingen Variant Classification Criteria Version 2. Collection method: clinical testing. Allele origin: germline. Affected: yes. Observed: 2 variant alleles.

NM_021067.5(GINS1):c.273A>T (p.Arg91Ser)

Gene: GINS1 (GINS complex subunit 1; plus strand). Cytogenetic location: 20p11.21.
Variant type: single nucleotide variant.
Coding change: c.273A>T on transcript NM_021067.5 (MANE Select); coding-DNA position 273, A replaced by T.
Protein change: p.Arg91Ser; replaces arginine 91 with serine.
Molecular consequence: missense variant. On other transcripts: non-coding transcript variant (1).
Genome position (GRCh38, 1-based): chr20:25,418,138, A>T. VCF-style: chr20-25418138-A-T. GRCh37 (hg19) VCF-style: chr20-25398774-A-T.
Other names: short protein forms R91S.
Identifiers: ClinVar variation 1012481 (VCV001012481.41), dbSNP rs2090332970, ClinGen allele CA408448065.